The following is an entry in ClinVar:

NM_138927.4(SON):c.1744dup (p.Leu582fs)

Gene: SON (SON DNA and RNA binding protein; plus strand). Cytogenetic location: 21q22.11.
Variant type: Duplication.
Coding change: c.1744dup on transcript NM_138927.4 (MANE Select); coding-DNA position 1744, one base duplicated (C; older notation c.1744dupC).
Protein change: p.Leu582fs; shifts the reading frame from leucine 582.
Molecular consequence: frameshift variant. On other transcripts: non-coding transcript variant (1), intron variant (1).
Genome position (GRCh38, 1-based): chr21:33,550,975, C duplicated. VCF-style (leftmost placement, unchanged base first): chr21-33550974-A-AC. GRCh37 (hg19) VCF-style: chr21-34923280-A-AC.
Other names: c.1744dup, p.Leu582fs (NM_001291411.2, NM_032195.3); c.244+4596dup (NM_001291412.3); c.1744dupC (NM_032195.2); short protein forms L582fs.
Identifiers: ClinVar variation 817466 (VCV000817466.1), dbSNP rs1601260658, ClinGen allele CA915953124.

ClinVar aggregate classification (germline): Pathogenic (1 of 4 stars; one submission).

Submission:

GeneDx
Classification: Pathogenic. Last evaluated: 2019-03-12. Review status: criteria provided, single submitter. Criteria: GeneDx Variant Classification (06012015). Collection method: clinical testing. Allele origin: germline. Affected: yes.
Comment: The c.1744dupC variant in the SON gene has not been reported previously as a pathogenic variant nor as a benign variant, to our knowledge. The c.1744dupC variant causes a frameshift starting with codon Leucine 582, changes this amino acid to a Proline residue, and creates a premature Stop codon at position 104 of the new reading frame, denoted p.Leu582ProfsX104. This variant is predicted to cause loss of normal protein function either through protein truncation or nonsense-mediated mRNA decay. The c.1744dupC variant is not observed in large population cohorts (Lek et al., 2016). We interpret c.1744dupC as a pathogenic variant.